The following is an entry in ClinVar:

NC_000003.11:g.(?_159986181)_(160021797_?)del

Gene: IFT80 (intraflagellar transport 80; minus strand). Cytogenetic location: 3q25.33.
Variant type: Deletion.
Identifiers: ClinVar variation 3246846 (VCV003246846.1).

ClinVar aggregate classification (germline): Pathogenic (1 of 4 stars; one submission).

Conditions:
Jeune thoracic dystrophy. Also called: Jeune syndrome; Infantile thoracic dystrophy; Thoracic pelvic phalangeal dystrophy; Jeune's syndrome; Chondroectodermal dysplasia-like syndrome; Short-rib thoracic dysplasia. Identifiers: Orphanet 474, MedGen C0265275, MONDO:0018770.

Submission:

Labcorp Genetics (formerly Invitae), Labcorp
Classification: Pathogenic for Jeune thoracic dystrophy. Last evaluated: 2023-10-10. Review status: criteria provided, single submitter. Criteria: Invitae Variant Classification Sherloc (09022015). Collection method: clinical testing. Allele origin: unknown.
Comment: This variant is a gross deletion of the genomic region encompassing exon(s) 11-19 of the IFT80 gene. This deletion is out-of-frame, and is expected to create a premature termination codon and result in an absent or disrupted protein product. Loss-of-function variants in IFT80 are known to be pathogenic (PMID: 21227999, 23339108, 29068549). This variant has not been reported in the literature in individuals affected with IFT80-related conditions. For these reasons, this variant has been classified as Pathogenic.

Literature cited by the submitters: PubMed 21227999; PubMed 23339108; PubMed 29068549.